The following is an entry in ClinVar:

ClinVar aggregate classification (germline): Uncertain significance (0 of 4 stars; one submission).

Conditions:
SEMA3B-related disorder. Also called: SEMA3B-related condition.

Submission:

PreventionGenetics, part of Exact Sciences
Classification: Uncertain significance for SEMA3B-related condition. Last evaluated: 2024-01-05. Review status: no assertion criteria provided. Collection method: clinical testing. Allele origin: germline.
Comment: The SEMA3B c.877C>T variant is predicted to result in the amino acid substitution p.Arg293Cys. To our knowledge, this variant has not been reported in the literature or in a large population database, indicating this variant is rare. At this time, the clinical significance of this variant is uncertain due to the absence of conclusive functional and genetic evidence.

NM_001290060.2(SEMA3B):c.1906C>T (p.Arg636Cys)

Gene: SEMA3B (semaphorin 3B; plus strand). Cytogenetic location: 3p21.31.
Variant type: single nucleotide variant.
Coding change: c.1906C>T on transcript NM_001290060.2 (MANE Select); coding-DNA position 1906, C replaced by T.
Protein change: p.Arg636Cys; replaces arginine 636 with cysteine.
Molecular consequence: missense variant. On other transcripts: non-coding transcript variant (1).
Genome position (GRCh38, 1-based): chr3:50,276,362, C>T. VCF-style: chr3-50276362-C-T. GRCh37 (hg19) VCF-style: chr3-50313793-C-T.
Other names: c.1903C>T, p.Arg635Cys (NM_001005914.3); c.1921C>T, p.Arg641Cys (NM_001290061.1); c.877C>T, p.Arg293Cys (NM_001290062.2, NM_001290063.2); c.1906C>T, p.Arg636Cys (NM_004636.4); short protein forms R293C, R635C, R636C, R641C.
Identifiers: ClinVar variation 3352222 (VCV003352222.1).